The following is an entry in ClinVar:

NM_000528.4(MAN2B1):c.2368C>T (p.Gln790Ter)

Gene: MAN2B1 (mannosidase alpha class 2B member 1; minus strand). Cytogenetic location: 19p13.13.
Variant type: single nucleotide variant.
Coding change: c.2368C>T on transcript NM_000528.4 (MANE Select); coding-DNA position 2368, C replaced by T.
Protein change: p.Gln790Ter; replaces glutamine 790 with a stop codon.
Molecular consequence: nonsense.
Genome position (GRCh38, 1-based): chr19:12,649,204, G>A on the plus strand (C>T on the coding strand, the complement: MAN2B1 is on the minus strand). VCF-style: chr19-12649204-G-A. GRCh37 (hg19) VCF-style: chr19-12760018-G-A.
Other names: c.2365C>T, p.Gln789Ter (NM_001173498.2); short protein forms Q789*, Q790*.
Identifiers: ClinVar variation 3384034 (VCV003384034.2).

ClinVar aggregate classification (germline): Pathogenic/Likely pathogenic. Review status: criteria provided, multiple submitters, no conflicts (2 of 4 stars). 2 submissions from 2 submitters: Pathogenic (1); Likely pathogenic (1). Last evaluated 2025-09-10.

Conditions:
Deficiency of alpha-mannosidase (MANSA). Also called: LYSOSOMAL ALPHA-D-MANNOSIDASE DEFICIENCY; Mannosidosis, alpha-, types I and II; Alpha-Mannosidosis. Identifiers: Orphanet 61, MedGen C0024748, MONDO:0009561, OMIM 248500.

Submissions (2):

Genomic Medicine Center of Excellence, King Faisal Specialist Hospital and Research Centre
Classification: Pathogenic for Deficiency of alpha-mannosidase. Last evaluated: 2025-09-10. Review status: criteria provided, single submitter. Criteria: ACMG Guidelines, 2015. Collection method: clinical testing. Allele origin: germline.

Dubai Health Genomic Medicine Center, Dubai Health
Classification: Likely pathogenic for Mannosidosis, alpha-, types I and II. Last evaluated: 2024-10-04. Review status: criteria provided, single submitter. Criteria: ACMG Guidelines, 2015. Collection method: research. Allele origin: germline. Affected: yes.
Comment: PVS1,PM2